The following is an entry in ClinVar:

NM_001164508.2(NEB):c.863A>G (p.Lys288Arg)

Gene: NEB (nebulin; minus strand). Cytogenetic location: 2q23.3.
Variant type: single nucleotide variant.
Coding change: c.863A>G on transcript NM_001164508.2 (MANE Select); coding-DNA position 863, A replaced by G.
Protein change: p.Lys288Arg; replaces lysine 288 with arginine.
Molecular consequence: missense variant.
Genome position (GRCh38, 1-based): chr2:151,710,498, T>C on the plus strand (A>G on the coding strand, the complement: NEB is on the minus strand). VCF-style: chr2-151710498-T-C. GRCh37 (hg19) VCF-style: chr2-152567012-T-C.
Other names: c.863A>G, p.Lys288Arg (NM_001164507.2, NM_001271208.2, NM_004543.5); short protein forms K288R.
Identifiers: ClinVar variation 193879 (VCV000193879.24), dbSNP rs202035863, ClinGen allele CA239573.

ClinVar aggregate classification (germline): Benign/Likely benign. Review status: criteria provided, multiple submitters, no conflicts (2 of 4 stars). 7 submissions from 7 submitters: Benign (5); Likely benign (1). 1 of the submissions does not count toward it. Last evaluated 2026-02-04.

Conditions:
Nemaline myopathy 2 (NEM2). Also called: Nemaline myopathy 2, autosomal recessive. Identifiers: MedGen C1850569, MONDO:0009725, OMIM 256030.

Allele frequency attached by ClinVar (database versions not stated): gnomAD 0.00005 and 0.00171; ESP Exome Variant Server 0.00008; TOPMed 0.00032; gnomAD exomes 0.00290 and 0.00580; ExAC 0.00652; 1000 Genomes Project 0.00978; 1000 Genomes Project 30x 0.01031.
gnomAD v4.1: 4,504 of 1,610,250 alleles (0.28%); highest among the groups gnomAD compares: South Asian, 4.7%; 134 homozygotes.

Submissions (7):

Labcorp Genetics (formerly Invitae), Labcorp
Classification: Benign for Nemaline myopathy 2. Last evaluated: 2026-02-04. Review status: criteria provided, single submitter. Criteria: Invitae Variant Classification Sherloc (09022015). Collection method: clinical testing. Allele origin: germline.

Blueprint Genetics
Classification: Likely benign. Last evaluated: 2024-11-04. Review status: criteria provided, single submitter. Criteria: ACMG Guidelines, 2015. Collection method: clinical testing. Allele origin: germline.

Athena Diagnostics
Classification: Benign. Last evaluated: 2020-11-18. Review status: criteria provided, single submitter. Criteria: Athena Diagnostics criteria. Collection method: clinical testing. Allele origin: unknown.

Illumina Laboratory Services, Illumina
Classification: Benign for Nemaline myopathy 2. Last evaluated: 2018-01-13. Review status: criteria provided, single submitter. Criteria: ICSL Variant Classification Criteria 13 December 2019. Collection method: clinical testing. Allele origin: germline.
Comment: This variant was observed in the ICSL laboratory as part of a predisposition screen in an ostensibly healthy population. It had not been previously curated by ICSL or reported in the Human Gene Mutation Database (HGMD: prior to June 1st, 2018), and was therefore a candidate for classification through an automated scoring system. Utilizing variant allele frequency, disease prevalence and penetrance estimates, and inheritance mode, an automated score was calculated to assess if this variant is too frequent to cause the disease. Based on the score and internal cut-off values, a variant classified as benign is not then subjected to further curation. The score for this variant resulted in a classification of benign for this disease.

GeneDx
Classification: Benign. Last evaluated: 2017-01-12. Review status: criteria provided, single submitter. Criteria: GeneDx Variant Classification (06012015). Collection method: clinical testing. Allele origin: germline. Affected: yes.
Comment: This variant is considered likely benign or benign based on one or more of the following criteria: it is a conservative change, it occurs at a poorly conserved position in the protein, it is predicted to be benign by multiple in silico algorithms, and/or has population frequency not consistent with disease.

Eurofins Ntd Llc (ga)
Classification: Benign. Last evaluated: 2016-04-27. Review status: criteria provided, single submitter. Criteria: EGL Classification Definitions 2015. Collection method: clinical testing. Allele origin: germline. Observed: 2 variant alleles, 2 heterozygotes.

Natera, Inc.
Classification: Benign for Nemaline myopathy type 2. Last evaluated: 2020-09-16. Review status: no assertion criteria provided. Collection method: clinical testing. Allele origin: germline. Not counted in ClinVar's aggregate classification.